The following is an entry in ClinVar:

NM_006302.3(MOGS):c.480C>G (p.His160Gln)

Gene: MOGS (mannosyl-oligosaccharide glucosidase; minus strand). Cytogenetic location: 2p13.1.
Variant type: single nucleotide variant.
Coding change: c.480C>G on transcript NM_006302.3 (MANE Select); coding-DNA position 480, C replaced by G.
Protein change: p.His160Gln; replaces histidine 160 with glutamine.
Molecular consequence: missense variant.
Genome position (GRCh38, 1-based): chr2:74,464,595, G>C on the plus strand (C>G on the coding strand, the complement: MOGS is on the minus strand). VCF-style: chr2-74464595-G-C. GRCh37 (hg19) VCF-style: chr2-74691722-G-C.
Other names: c.162C>G, p.His54Gln (NM_001146158.2); short protein forms H54Q, H160Q.
Identifiers: ClinVar variation 1389046 (VCV001389046.6), dbSNP rs1303532263, ClinGen allele CA347381170.
Genomic context (GRCh38, chr2:74,464,595, plus strand): 5'-GTGCTGACCCCCAGGCCTCTTGACGAACTCAGTGGTGAGCCTTAAGGCCCCATCCTGGAT[G>C]TGTTGGCGCCCGAAGGAGAGGCCGTCGTGGAACTCCCAGCCATAGGGACCCACACCGTCC-3'
Protein context (NP_006293.2, residues 150-170): FHDGLSFGRQ[His160Gln]IQDGALRLTT

ClinVar aggregate classification (germline): Uncertain significance (1 of 4 stars; one submission).

Conditions:
MOGS-congenital disorder of glycosylation. Also called: CDG 2B; MOGS-CDG; CDG IIb; GLUCOSIDASE I DEFICIENCY. Identifiers: Orphanet 79330, MedGen C1853736, MONDO:0011629, OMIM 606056.

Submission:

Labcorp Genetics (formerly Invitae), Labcorp
Classification: Uncertain significance for MOGS-congenital disorder of glycosylation. Last evaluated: 2023-02-09. Review status: criteria provided, single submitter. Criteria: Invitae Variant Classification Sherloc (09022015). Collection method: clinical testing. Allele origin: germline.
Comment: This sequence change replaces histidine, which is basic and polar, with glutamine, which is neutral and polar, at codon 160 of the MOGS protein (p.His160Gln). This variant is not present in population databases (gnomAD no frequency). This variant has not been reported in the literature in individuals affected with MOGS-related conditions. ClinVar contains an entry for this variant (Variation ID: 1389046). Advanced modeling of protein sequence and biophysical properties (such as structural, functional, and spatial information, amino acid conservation, physicochemical variation, residue mobility, and thermodynamic stability) performed at Invitae indicates that this missense variant is not expected to disrupt MOGS protein function. In summary, the available evidence is currently insufficient to determine the role of this variant in disease. Therefore, it has been classified as a Variant of Uncertain Significance.